The following is an entry in ClinVar:

ClinVar aggregate classification (germline): Uncertain significance. Review status: criteria provided, multiple submitters, no conflicts (2 of 4 stars). 4 submissions from 4 submitters: Uncertain significance (4). Last evaluated 2025-07-17.

Conditions:
Alexander disease (ALXDRD). Also called: Alexander's disease. Identifiers: Orphanet 58, MedGen C0270726, MONDO:0008752, OMIM 203450.

Allele frequency attached by ClinVar (database versions not stated): gnomAD exomes 0.00001 and 0.00002; gnomAD 0.00002; TOPMed 0.00002; ExAC 0.00004.
gnomAD v4.1: 22 of 1,559,098 alleles (0.0014%); highest among the groups gnomAD compares: Non-Finnish European, 0.0017%; no homozygotes.

Submissions (4):

Labcorp Genetics (formerly Invitae), Labcorp
Classification: Uncertain significance. Last evaluated: 2025-07-17. Review status: criteria provided, single submitter. Criteria: Invitae Variant Classification Sherloc (09022015). Collection method: clinical testing. Allele origin: germline.
Comment: This sequence change replaces asparagine, which is neutral and polar, with lysine, which is basic and polar, at codon 168 of the GFAP protein (p.Asn168Lys). The frequency data for this variant in the population databases is considered unreliable, as metrics indicate poor data quality at this position in the gnomAD database. This variant has not been reported in the literature in individuals affected with GFAP-related conditions. ClinVar contains an entry for this variant (Variation ID: 1303771). Invitae Evidence Modeling of protein sequence and biophysical properties (such as structural, functional, and spatial information, amino acid conservation, physicochemical variation, residue mobility, and thermodynamic stability) has been performed for this missense variant. However, the output from this modeling did not meet the statistical confidence thresholds required to predict the impact of this variant on GFAP protein function. In summary, the available evidence is currently insufficient to determine the role of this variant in disease. Therefore, it has been classified as a Variant of Uncertain Significance.

ARUP Laboratories, Molecular Genetics and Genomics, ARUP Laboratories
Classification: Uncertain significance for Alexander disease. Last evaluated: 2023-09-11. Review status: criteria provided, single submitter. Criteria: ARUP Molecular Germline Variant Investigation Process 2024. Collection method: clinical testing. Allele origin: germline.
Comment: Due to limited information, including a lack of clinical and/or functional data and an uninformative population frequency, the clinical significance of this variant is uncertain at this time.

Fulgent Genetics
Classification: Uncertain significance for Alexander disease. Last evaluated: 2022-04-01. Review status: criteria provided, single submitter. Criteria: ACMG Guidelines, 2015. Collection method: clinical testing. Allele origin: unknown.

GeneDx
Classification: Uncertain significance. Last evaluated: 2019-08-23. Review status: criteria provided, single submitter. Criteria: GeneDx Variant Classification Process June 2021. Collection method: clinical testing. Allele origin: germline. Affected: yes.
Comment: In silico analysis, which includes protein predictors and evolutionary conservation, supports a deleterious effect; Has not been previously published as pathogenic or benign to our knowledge

NM_002055.5(GFAP):c.504C>A (p.Asn168Lys)

Gene: GFAP (glial fibrillary acidic protein; minus strand). Cytogenetic location: 17q21.31.
Variant type: single nucleotide variant.
Coding change: c.504C>A on transcript NM_002055.5 (MANE Select); coding-DNA position 504, C replaced by A.
Protein change: p.Asn168Lys; replaces asparagine 168 with lysine.
Molecular consequence: missense variant.
Genome position (GRCh38, 1-based): chr17:44,914,046, G>T on the plus strand (C>A on the coding strand, the complement: GFAP is on the minus strand). VCF-style: chr17-44914046-G-T. GRCh37 (hg19) VCF-style: chr17-42991414-G-T.
Other names: c.504C>A, p.Asn168Lys (NM_001131019.3, NM_001242376.3, NM_001363846.2); short protein forms N168K.
Identifiers: ClinVar variation 1303771 (VCV001303771.5), dbSNP rs745894599, ClinGen allele CA8609000.